The following is an entry in ClinVar:

ClinVar aggregate classification (germline): Uncertain significance (1 of 4 stars; one submission).

Submission:

Labcorp Genetics (formerly Invitae), Labcorp
Classification: Uncertain significance. Last evaluated: 2024-05-15. Review status: criteria provided, single submitter. Criteria: Invitae Variant Classification Sherloc (09022015). Collection method: clinical testing. Allele origin: germline.
Comment: This sequence change replaces valine, which is neutral and non-polar, with phenylalanine, which is neutral and non-polar, at codon 883 of the COL4A1 protein (p.Val883Phe). This variant is not present in population databases (gnomAD no frequency). This variant has not been reported in the literature in individuals affected with COL4A1-related conditions. An algorithm developed to predict the effect of missense changes on protein structure and function (PolyPhen-2) suggests that this variant is likely to be tolerated. In summary, the available evidence is currently insufficient to determine the role of this variant in disease. Therefore, it has been classified as a Variant of Uncertain Significance.

NM_001845.6(COL4A1):c.2647G>T (p.Val883Phe)

Gene: COL4A1 (collagen type IV alpha 1 chain; minus strand). Cytogenetic location: 13q34.
Variant type: single nucleotide variant.
Coding change: c.2647G>T on transcript NM_001845.6 (MANE Select); coding-DNA position 2647, G replaced by T.
Protein change: p.Val883Phe; replaces valine 883 with phenylalanine.
Molecular consequence: missense variant.
Genome position (GRCh38, 1-based): chr13:110,177,911, C>A on the plus strand (G>T on the coding strand, the complement: COL4A1 is on the minus strand). VCF-style: chr13-110177911-C-A. GRCh37 (hg19) VCF-style: chr13-110830258-C-A.
Other names: short protein forms V883F.
Identifiers: ClinVar variation 2796947 (VCV002796947.3), dbSNP rs41275090, ClinGen allele CA388667616.